The following is an entry in ClinVar:

ClinVar aggregate classification (germline): Uncertain significance (1 of 4 stars; one submission).

Conditions:
Andersen Tawil syndrome (LQT7). Also called: ANDERSEN CARDIODYSRHYTHMIC PERIODIC PARALYSIS; LONG QT SYNDROME 7; PERIODIC PARALYSIS, POTASSIUM-SENSITIVE CARDIODYSRHYTHMIC TYPE; Potassium-sensitive periodic paralysis, ventricular ectopy, and dysmorphic features; Andersen Syndrome. Identifiers: Orphanet 37553, MedGen C1563715, MONDO:0008222, OMIM 170390.
Short QT syndrome type 3. Identifiers: Orphanet 51083, MedGen C1865018, MONDO:0012314, OMIM 609622.

Submission:

Labcorp Genetics (formerly Invitae), Labcorp
Classification: Uncertain significance for Short QT syndrome type 3; Andersen Tawil syndrome. Last evaluated: 2024-05-06. Review status: criteria provided, single submitter. Criteria: Invitae Variant Classification Sherloc (09022015). Collection method: clinical testing. Allele origin: germline.
Comment: This sequence change replaces proline, which is neutral and non-polar, with threonine, which is neutral and polar, at codon 186 of the KCNJ2 protein (p.Pro186Thr). This variant is not present in population databases (gnomAD no frequency). This missense change has been observed in individual(s) with Andersen-Tawil syndrome (PMID: 27145478). Advanced modeling of protein sequence and biophysical properties (such as structural, functional, and spatial information, amino acid conservation, physicochemical variation, residue mobility, and thermodynamic stability) performed at Invitae indicates that this missense variant is expected to disrupt KCNJ2 protein function with a positive predictive value of 80%. This variant disrupts the p.Pro186 amino acid residue in KCNJ2. Other variant(s) that disrupt this residue have been determined to be pathogenic (Invitae). This suggests that this residue is clinically significant, and that variants that disrupt this residue are likely to be disease-causing. In summary, the available evidence is currently insufficient to determine the role of this variant in disease. Therefore, it has been classified as a Variant of Uncertain Significance.

Literature cited by the submitters: PubMed 27145478.

NM_000891.3(KCNJ2):c.556C>A (p.Pro186Thr)

Gene: KCNJ2 (potassium inwardly rectifying channel subfamily J member 2; plus strand). Cytogenetic location: 17q24.3.
Variant type: single nucleotide variant.
Coding change: c.556C>A on transcript NM_000891.3 (MANE Select); coding-DNA position 556, C replaced by A.
Protein change: p.Pro186Thr; replaces proline 186 with threonine.
Molecular consequence: missense variant.
Genome position (GRCh38, 1-based): chr17:70,175,595, C>A. VCF-style: chr17-70175595-C-A. GRCh37 (hg19) VCF-style: chr17-68171736-C-A.
Other names: short protein forms P186T.
Identifiers: ClinVar variation 3759470 (VCV003759470.2).